The following is an entry in ClinVar:

ClinVar aggregate classification (germline): Likely benign (1 of 4 stars; one submission).

Allele frequency attached by ClinVar (database versions not stated): 1000 Genomes Project 30x 0.00016; 1000 Genomes Project 0.00020; gnomAD 0.00098; TOPMed 0.00101.
gnomAD v4.1: 150 of 152,164 alleles (0.099%); highest among the groups gnomAD compares: Non-Finnish European, 0.15%; 1 homozygote.

Submission:

CeGaT Center for Human Genetics Tuebingen
Classification: Likely benign. Last evaluated: 2026-05-01. Review status: criteria provided, single submitter. Criteria: CeGaT Center For Human Genetics Tuebingen Variant Classification Criteria Version 2. Collection method: clinical testing. Allele origin: germline. Affected: yes. Observed: 7 variant alleles.
Comment: FGFR1: BS1

NM_023110.3(FGFR1):c.-89+3413A>G

Gene: FGFR1 (fibroblast growth factor receptor 1; minus strand). Cytogenetic location: 8p11.23.
Variant type: single nucleotide variant.
Coding change: c.-89+3413A>G on transcript NM_023110.3 (MANE Select); 3413 bases into the intron after 89 bases upstream of the start codon, A replaced by G.
Molecular consequence: intron variant.
Genome position (GRCh38, 1-based): chr8:38,464,568, T>C on the plus strand (A>G on the coding strand, the complement: FGFR1 is on the minus strand). VCF-style: chr8-38464568-T-C. GRCh37 (hg19) VCF-style: chr8-38322086-T-C.
Other names: c.-89+3413A>G (NM_001354368.2, NM_001354370.2, NM_023106.3 and 4 more transcripts); c.-181+3413A>G (NM_001174064.2); c.-89+3104A>G (NM_001174066.2, NM_001354369.2, NM_001410922.1 and 1 more transcripts); c.-150+3104A>G (NM_001174067.2).
Identifiers: ClinVar variation 2571314 (VCV002571314.27), dbSNP rs184414118, ClinGen allele CA175775322.